The following is an entry in ClinVar:

NM_001684.5(ATP2B4):c.938-3C>T

Gene: ATP2B4 (ATPase plasma membrane Ca2+ transporting 4; plus strand). Cytogenetic location: 1q32.1.
Variant type: single nucleotide variant.
Coding change: c.938-3C>T on transcript NM_001684.5 (MANE Select); 3 bases into the intron before coding-DNA position 938, C replaced by T.
Molecular consequence: intron variant.
Genome position (GRCh38, 1-based): chr1:203,703,649, C>T. VCF-style: chr1-203703649-C-T. GRCh37 (hg19) VCF-style: chr1-203672777-C-T.
Other names: c.938-3C>T (NM_001001396.3, NM_001365783.2, NM_001365784.2).
Identifiers: ClinVar variation 2764324 (VCV002764324.3), dbSNP rs2545379614, ClinGen allele CA2697554852.

ClinVar aggregate classification (germline): Uncertain significance (1 of 4 stars; one submission).

Submission:

Labcorp Genetics (formerly Invitae), Labcorp
Classification: Uncertain significance. Last evaluated: 2023-09-29. Review status: criteria provided, single submitter. Criteria: Invitae Variant Classification Sherloc (09022015). Collection method: clinical testing. Allele origin: germline.
Comment: Variants that disrupt the consensus splice site are a relatively common cause of aberrant splicing (PMID: 17576681, 9536098). Algorithms developed to predict the effect of sequence changes on RNA splicing suggest that this variant is not likely to affect RNA splicing. This sequence change falls in intron 7 of the ATP2B4 gene. It does not directly change the encoded amino acid sequence of the ATP2B4 protein. It affects a nucleotide within the consensus splice site. This variant is not present in population databases (gnomAD no frequency). This variant has not been reported in the literature in individuals affected with ATP2B4-related conditions. In summary, the available evidence is currently insufficient to determine the role of this variant in disease. Therefore, it has been classified as a Variant of Uncertain Significance.

Literature cited by the submitters: PubMed 17576681; PubMed 9536098.